The following is an entry in ClinVar:

ClinVar aggregate classification (germline): Benign (1 of 4 stars; one submission).

Allele frequency attached by ClinVar (database versions not stated): gnomAD 0.02202 and 0.02367; 1000 Genomes Project 30x 0.02436; 1000 Genomes Project 0.02456; TOPMed 0.02482.
gnomAD v4.1: 3,305 of 151,944 alleles (2.2%); highest among the groups gnomAD compares: African/African-American, 7.6%; 112 homozygotes.

Submission:

GeneDx
Classification: Benign. Last evaluated: 2018-06-14. Review status: criteria provided, single submitter. Criteria: GeneDx Variant Classification (06012015). Collection method: clinical testing. Allele origin: germline. Affected: yes.
Comment: This variant is considered likely benign or benign based on one or more of the following criteria: it is a conservative change, it occurs at a poorly conserved position in the protein, it is predicted to be benign by multiple in silico algorithms, and/or has population frequency not consistent with disease.

NM_147127.5(EVC2):c.2501+154C>T

Gene: EVC2 (EvC ciliary complex subunit 2; minus strand). Cytogenetic location: 4p16.2.
Variant type: single nucleotide variant.
Coding change: c.2501+154C>T on transcript NM_147127.5 (MANE Select); 154 bases into the intron after coding-DNA position 2501, C replaced by T.
Molecular consequence: intron variant.
Genome position (GRCh38, 1-based): chr4:5,622,383, G>A on the plus strand (C>T on the coding strand, the complement: EVC2 is on the minus strand). VCF-style: chr4-5622383-G-A. GRCh37 (hg19) VCF-style: chr4-5624110-G-A.
Other names: c.2261+154C>T (NM_001166136.2).
Identifiers: ClinVar variation 673040 (VCV000673040.1), dbSNP rs79974556, ClinGen allele CA91699983.